The following is an entry in ClinVar:

NM_000355.4(TCN2):c.134_155del (p.Leu45fs)

Gene: TCN2 (transcobalamin 2; plus strand). Cytogenetic location: 22q12.2.
Variant type: Deletion.
Coding change: c.134_155del on transcript NM_000355.4 (MANE Select); coding-DNA positions 134 to 155, 22 bases deleted (TTTCCCTGGAGCACTTGAACCC).
Protein change: p.Leu45fs; shifts the reading frame from leucine 45.
Molecular consequence: frameshift variant.
Genome position (GRCh38, 1-based): chr22:30,610,940-30,610,961, TTTCCCTGGAGCACTTGAACCC deleted; deleting any 22 consecutive bases within chr22:30,610,939-30,610,961 gives the same sequence; the c. name uses the placement nearest the transcript's 3' end. VCF-style (leftmost placement, unchanged base first): chr22-30610938-GCTTTCCCTGGAGCACTTGAACC-G. GRCh37 (hg19) VCF-style: chr22-31006925-GCTTTCCCTGGAGCACTTGAACC-G.
Other names: c.134_155del, p.Leu45fs (NM_001184726.2); short protein forms L45fs.
Identifiers: ClinVar variation 2851360 (VCV002851360.3), dbSNP rs2517900101, ClinGen allele CA2739267878.

ClinVar aggregate classification (germline): Pathogenic (1 of 4 stars; one submission).

Conditions:
Transcobalamin II deficiency (TCN2D). Also called: TC II DEFICIENCY; TCN2 DEFICIENCY; Transcolabamin II deficiency. Identifiers: Orphanet 859, MedGen C0342701, MONDO:0010149, OMIM 275350.

Submission:

Labcorp Genetics (formerly Invitae), Labcorp
Classification: Pathogenic for Transcobalamin II deficiency. Last evaluated: 2023-04-01. Review status: criteria provided, single submitter. Criteria: Invitae Variant Classification Sherloc (09022015). Collection method: clinical testing. Allele origin: germline.
Comment: This variant is not present in population databases (gnomAD no frequency). This variant has not been reported in the literature in individuals affected with TCN2-related conditions. For these reasons, this variant has been classified as Pathogenic. This sequence change creates a premature translational stop signal (p.Leu45Profs*34) in the TCN2 gene. It is expected to result in an absent or disrupted protein product. Loss-of-function variants in TCN2 are known to be pathogenic (PMID: 7980584, 20352340).

Literature cited by the submitters: PubMed 7980584; PubMed 20352340.